The following is an entry in ClinVar:

NM_030662.4(MAP2K2):c.188A>C (p.Lys63Thr)

Gene: MAP2K2 (mitogen-activated protein kinase kinase 2; minus strand). Cytogenetic location: 19p13.3.
Variant type: single nucleotide variant.
Coding change: c.188A>C on transcript NM_030662.4 (MANE Select); coding-DNA position 188, A replaced by C.
Protein change: p.Lys63Thr; replaces lysine 63 with threonine.
Molecular consequence: missense variant.
Genome position (GRCh38, 1-based): chr19:4,117,534, T>G on the plus strand (A>C on the coding strand, the complement: MAP2K2 is on the minus strand). VCF-style: chr19-4117534-T-G. GRCh37 (hg19) VCF-style: chr19-4117532-T-G.
Other names: short protein forms K63T.
Identifiers: ClinVar variation 2750793 (VCV002750793.3), dbSNP rs2145080411, ClinGen allele CA403392675.

ClinVar aggregate classification (germline): Uncertain significance (1 of 4 stars; one submission).

Conditions:
RASopathy. Also called: rasopathies; Noonan spectrum disorder. Identifiers: Orphanet 536391, MedGen C5555857, MONDO:0021060.

Submission:

Labcorp Genetics (formerly Invitae), Labcorp
Classification: Uncertain significance for RASopathy. Last evaluated: 2023-08-07. Review status: criteria provided, single submitter. Criteria: Invitae Variant Classification Sherloc (09022015). Collection method: clinical testing. Allele origin: germline.
Comment: In summary, the available evidence is currently insufficient to determine the role of this variant in disease. Therefore, it has been classified as a Variant of Uncertain Significance. Advanced modeling of protein sequence and biophysical properties (such as structural, functional, and spatial information, amino acid conservation, physicochemical variation, residue mobility, and thermodynamic stability) has been performed at Invitae for this missense variant, however the output from this modeling did not meet the statistical confidence thresholds required to predict the impact of this variant on MAP2K2 protein function. This variant has not been reported in the literature in individuals affected with MAP2K2-related conditions. This variant is not present in population databases (gnomAD no frequency). This sequence change replaces lysine, which is basic and polar, with threonine, which is neutral and polar, at codon 63 of the MAP2K2 protein (p.Lys63Thr).